The following is an entry in ClinVar:

NM_003036.4(SKI):c.641G>A (p.Ser214Asn)

Gene: SKI (SKI proto-oncogene; plus strand). Cytogenetic location: 1p36.33.
Variant type: single nucleotide variant.
Coding change: c.641G>A on transcript NM_003036.4 (MANE Select); coding-DNA position 641, G replaced by A.
Protein change: p.Ser214Asn; replaces serine 214 with asparagine.
Molecular consequence: missense variant.
Genome position (GRCh38, 1-based): chr1:2,229,407, G>A. VCF-style: chr1-2229407-G-A. GRCh37 (hg19) VCF-style: chr1-2160846-G-A.
Other names: short protein forms S214N.
Identifiers: ClinVar variation 3767789 (VCV003767789.1).
Genomic context (GRCh38, chr1:2,229,407, plus strand): 5'-CCTACCCGCCGCCCTGCAAGAAGGAGCTGGCCGCCAGCCTGGCGCTGGGCCTGGAGCTCA[G>A]CGAGCGCAGCGTCCGCGTGTACCACGAGTGCTTCGGCAAGTGTAAGGGGCTGCTGGTGCC-3'
Protein context (NP_003027.1, residues 204-224): AASLALGLEL[Ser214Asn]ERSVRVYHEC

ClinVar aggregate classification (germline): Uncertain significance (1 of 4 stars; one submission).

Submission:

GeneDx
Classification: Uncertain significance. Last evaluated: 2024-09-04. Review status: criteria provided, single submitter. Criteria: GeneDx Variant Classification Process June 2021. Collection method: clinical testing. Allele origin: germline. Affected: yes.
Comment: Not observed at significant frequency in large population cohorts (gnomAD); In silico analysis indicates that this missense variant does not alter protein structure/function; Has not been previously published as pathogenic or benign to our knowledge